The following is an entry in ClinVar:

NM_005529.7(HSPG2):c.1661A>G (p.Asn554Ser)

Gene: HSPG2 (heparan sulfate proteoglycan 2; minus strand). Cytogenetic location: 1p36.12.
Variant type: single nucleotide variant.
Coding change: c.1661A>G on transcript NM_005529.7 (MANE Select); coding-DNA position 1661, A replaced by G.
Protein change: p.Asn554Ser; replaces asparagine 554 with serine.
Molecular consequence: missense variant.
Genome position (GRCh38, 1-based): chr1:21,881,496, T>C on the plus strand (A>G on the coding strand, the complement: HSPG2 is on the minus strand). VCF-style: chr1-21881496-T-C. GRCh37 (hg19) VCF-style: chr1-22207989-T-C.
Other names: c.1664A>G, p.Asn555Ser (NM_001291860.2); short protein forms N554S, N555S.
Identifiers: ClinVar variation 3900194 (VCV003900194.1).

ClinVar aggregate classification (germline): Uncertain significance (1 of 4 stars; one submission).

Submission:

GeneDx
Classification: Uncertain significance. Last evaluated: 2024-11-26. Review status: criteria provided, single submitter. Criteria: GeneDx Variant Classification Process June 2021. Collection method: clinical testing. Allele origin: germline. Affected: yes.
Comment: Not observed at significant frequency in large population cohorts (gnomAD); In silico analysis supports that this missense variant has a deleterious effect on protein structure/function; Has not been previously published as pathogenic or benign to our knowledge